The following is an entry in ClinVar:

ClinVar aggregate classification (germline): Uncertain significance. Review status: criteria provided, multiple submitters, no conflicts (2 of 4 stars). 9 submissions from 9 submitters: Uncertain significance (8). 1 of the submissions does not count toward it. Last evaluated 2025-12-29.

Conditions:
SDHC-related disorder. Also called: SDHC-related condition.
Gastrointestinal stromal tumor. Also called: Gastrointestinal stromal tumor, somatic; Gastrointestinal stroma tumor. Identifiers: Orphanet 44890, MedGen C0238198, MeSH D046152, MONDO:0011719, OMIM 606764, HP:0100723.
Pheochromocytoma/paraganglioma syndrome 3. Also called: SDHC-Related Hereditary Paraganglioma-Pheochromocytoma Syndrome; Paragangliomas 3; GLOMUS TUMORS, FAMILIAL, 3; SDHC-Related Hereditary Paraganglioma-Pheochromocytoma Syndrome (Paragangliomas 3). Identifiers: Orphanet 29072, MedGen C1854336, MONDO:0011544, OMIM 605373.
Hereditary cancer-predisposing syndrome. Also called: Tumor predisposition; Neoplastic Syndromes, Hereditary; Hereditary Cancer Syndrome; Hereditary neoplastic syndrome. Identifiers: Orphanet 140162, MedGen C0027672, MeSH D009386, MONDO:0015356.
Carney-Stratakis syndrome. Also called: PARAGANGLIOMA AND GASTROINTESTINAL STROMAL TUMOR. Identifiers: Orphanet 97286, MedGen C1847319, MONDO:0011740, OMIM 606864.
Hereditary pheochromocytoma and paraganglioma. Also called: Hereditary Paraganglioma-Pheochromocytoma Syndromes; Hereditary paragangliomas and pheochromocytomas; Hereditary pheochromocytoma-paraganglioma. Identifiers: Orphanet 29072, MedGen C4274332, MONDO:0017366.

Allele frequency attached by ClinVar (database versions not stated): gnomAD 0.00001; gnomAD exomes 0.00001; TOPMed 0.00001.
gnomAD v4.1: 4 of 1,610,416 alleles (0.00025%); highest among the groups gnomAD compares: Non-Finnish European, 0.00034%; no homozygotes.

Submissions (9):

Center for Genomic Medicine, Rigshospitalet, Copenhagen University Hospital
Classification: Uncertain significance. Last evaluated: 2025-12-29. Review status: criteria provided, single submitter. Criteria: ACMG Guidelines, 2015. Collection method: clinical testing. Allele origin: germline.

Labcorp Genetics (formerly Invitae), Labcorp
Classification: Uncertain significance for Pheochromocytoma/paraganglioma syndrome 3; Gastrointestinal stromal tumor. Last evaluated: 2025-12-24. Review status: criteria provided, single submitter. Criteria: Invitae Variant Classification Sherloc (09022015). Collection method: clinical testing. Allele origin: germline.
Comment: This sequence change replaces proline, which is neutral and non-polar, with threonine, which is neutral and polar, at codon 146 of the SDHC protein (p.Pro146Thr). This variant is not present in population databases (gnomAD no frequency). This variant has not been reported in the literature in individuals affected with SDHC-related conditions. ClinVar contains an entry for this variant (Variation ID: 142904). An algorithm developed to predict the effect of missense changes on protein structure and function (PolyPhen-2) suggests that this variant is likely to be tolerated. In summary, the available evidence is currently insufficient to determine the role of this variant in disease. Therefore, it has been classified as a Variant of Uncertain Significance.

Ambry Genetics
Classification: Uncertain significance for Hereditary cancer-predisposing syndrome. Last evaluated: 2025-03-14. Review status: criteria provided, single submitter. Criteria: Ambry Variant Classification Scheme 2023. Collection method: clinical testing. Allele origin: germline.
Comment: The p.P146T variant (also known as c.436C>A), located in coding exon 6 of the SDHC gene, results from a C to A substitution at nucleotide position 436. The proline at codon 146 is replaced by threonine, an amino acid with highly similar properties. This amino acid position is not well conserved in available vertebrate species. In addition, the in silico prediction for this alteration is inconclusive. Based on the available evidence, the clinical significance of this variant remains unclear.

Color Diagnostics, LLC DBA Color Health
Classification: Uncertain significance for Hereditary pheochromocytoma and paraganglioma. Last evaluated: 2024-02-13. Review status: criteria provided, single submitter. Criteria: ACMG Guidelines, 2015. Collection method: clinical testing. Allele origin: germline.
Comment: This missense variant replaces proline with threonine at codon 146 of the SDHC protein. Computational prediction suggests that this variant may not impact protein structure and function. To our knowledge, functional studies have not been reported for this variant. This variant has not been reported in individuals affected with SDHC-related disorders in the literature. This variant has not been identified in the general population by the Genome Aggregation Database (gnomAD). The available evidence is insufficient to determine the role of this variant in disease conclusively. Therefore, this variant is classified as a Variant of Uncertain Significance.

Quest Diagnostics Nichols Institute San Juan Capistrano
Classification: Uncertain significance. Last evaluated: 2023-12-07. Review status: criteria provided, single submitter. Criteria: Quest Diagnostics criteria. Collection method: clinical testing. Allele origin: unknown.
Comment: The SDHC c.436C>A (p.Pro146Thr) variant has not been reported in individuals with SDHC-related conditions in the published literature. The frequency of this variant in the general population, 0.0000067 (1/149030 chromosomes (Genome Aggregation Database)), is uninformative in the assessment of its pathogenicity. Analysis of this variant using bioinformatics tools for the prediction of the effect of amino acid changes on protein structure and function yielded predictions that this variant is benign. Based on the available information, we are unable to determine the clinical significance of this variant.

Baylor Genetics
Classification: Uncertain significance for Gastrointestinal stromal tumor. Last evaluated: 2023-09-06. Review status: criteria provided, single submitter. Criteria: ACMG Guidelines, 2015. Collection method: clinical testing. Allele origin: unknown.

Fulgent Genetics
Classification: Uncertain significance for Pheochromocytoma/paraganglioma syndrome 3; Gastrointestinal stromal tumor; Carney-Stratakis syndrome. Last evaluated: 2022-03-06. Review status: criteria provided, single submitter. Criteria: ACMG Guidelines, 2015. Collection method: clinical testing. Allele origin: unknown.

St. Jude Molecular Pathology, St. Jude Children's Research Hospital
Classification: Uncertain significance for Pheochromocytoma/paraganglioma syndrome 3. Last evaluated: 2022-01-06. Review status: criteria provided, single submitter. Criteria: St. Jude Assertion Criteria 2020. Collection method: clinical testing. Allele origin: germline.
Comment: The SDHC c.436C>A (p.Pro146Thr) missense change is absent in gnomAD v2.1.1 (PM2_supporting). Five of seven in silico tools predict a benign effect of this variant on protein function (BP4), but these predictions have not been confirmed by functional studies. To our knowledge, this variant has not been reported in individuals with hereditary paraganglioma-pheochromocytoma. In summary, this variant meets criteria to be classified as of uncertain significance based on the ACMG/AMP criteria: PM2_Supporting, BP4

PreventionGenetics, part of Exact Sciences
Classification: Uncertain significance for SDHC-related condition. Last evaluated: 2024-05-16. Review status: no assertion criteria provided. Collection method: clinical testing. Allele origin: germline. Not counted in ClinVar's aggregate classification.
Comment: The SDHC c.436C>A variant is predicted to result in the amino acid substitution p.Pro146Thr. To our knowledge, this variant has not been reported in the literature or in a large population database, indicating this variant is rare, and is reported as a variant of uncertain significance in ClinVar. At this time, the clinical significance of this variant is uncertain due to the absence of conclusive functional and genetic evidence.

NM_003001.5(SDHC):c.436C>A (p.Pro146Thr)

Gene: SDHC (succinate dehydrogenase complex subunit C; plus strand). Cytogenetic location: 1q23.3.
Variant type: single nucleotide variant.
Coding change: c.436C>A on transcript NM_003001.5 (MANE Select); coding-DNA position 436, C replaced by A.
Protein change: p.Pro146Thr; replaces proline 146 with threonine.
Molecular consequence: missense variant.
Genome position (GRCh38, 1-based): chr1:161,362,359, C>A. VCF-style: chr1-161362359-C-A. GRCh37 (hg19) VCF-style: chr1-161332149-C-A.
Other names: c.272C>A, p.Ser91Tyr (NM_001035511.3); c.334C>A, p.Pro112Thr (NM_001035512.3); c.277C>A, p.Pro93Thr (NM_001035513.3); c.170C>A, p.Ser57Tyr (NM_001278172.3); c.556C>A, p.Pro186Thr (NM_001407115.1); c.379C>A, p.Pro127Thr (NM_001407116.1); c.373C>A, p.Pro125Thr (NM_001407117.1); c.328C>A, p.Pro110Thr (NM_001407118.1); and 2 more; short protein forms P146T, P93T, S57Y, P112T, S91Y, P110T, P125T, P186T.
Identifiers: ClinVar variation 142904 (VCV000142904.24), dbSNP rs541660851, ClinGen allele CA016343.